The following is an entry in ClinVar:

ClinVar aggregate classification (germline): Conflicting classifications of pathogenicity. Review status: criteria provided, conflicting classifications (1 of 4 stars). 2 submissions from 2 submitters: Uncertain significance (1); Likely benign (1). Last evaluated 2025-06-27.

Conditions:
ZNF469-related disorder. Also called: ZNF469-related condition.
Cardiovascular phenotype. Identifiers: MedGen CN230736.

Allele frequency attached by ClinVar (database versions not stated): gnomAD 0.00002; gnomAD exomes 0.00002; ExAC 0.00005; TOPMed 0.00005.
gnomAD v4.1: 32 of 1,550,116 alleles (0.0021%); highest among the groups gnomAD compares: African/African-American, 0.019%; no homozygotes.

Submissions (2):

PreventionGenetics, part of Exact Sciences
Classification: Uncertain significance for ZNF469-related condition. Last evaluated: 2025-06-27. Review status: criteria provided, single submitter. Criteria: ACMG Guidelines, 2015. Collection method: clinical testing. Allele origin: germline.
Comment: The ZNF469 c.7076G>A variant is predicted to result in the amino acid substitution p.Arg2359His. To our knowledge, this variant has not been reported in the literature. This variant is reported in 0.0060% of alleles in individuals of African descent in gnomAD. At this time, the clinical significance of this variant is uncertain due to the absence of conclusive functional and genetic evidence.

Ambry Genetics
Classification: Likely benign for Cardiovascular phenotype. Last evaluated: 2023-07-13. Review status: criteria provided, single submitter. Criteria: Ambry Variant Classification Scheme 2023. Collection method: clinical testing. Allele origin: germline.

NM_001367624.2(ZNF469):c.7160G>A (p.Arg2387His)

Gene: ZNF469 (zinc finger protein 469; plus strand). Cytogenetic location: 16q24.2.
Variant type: single nucleotide variant.
Coding change: c.7160G>A on transcript NM_001367624.2 (MANE Select); coding-DNA position 7160, G replaced by A.
Protein change: p.Arg2387His; replaces arginine 2387 with histidine.
Molecular consequence: missense variant.
Genome position (GRCh38, 1-based): chr16:88,434,630, G>A. VCF-style: chr16-88434630-G-A. GRCh37 (hg19) VCF-style: chr16-88501038-G-A.
Other names: NM_001127464.1:c.7076G>A; NM_001127464.2:c.7076G>A; short protein forms R2387H.
Identifiers: ClinVar variation 2624542 (VCV002624542.3), dbSNP rs111828626, ClinGen allele CA8225220.
Genomic context (GRCh38, chr16:88,434,630, plus strand): 5'-AAGGTGAGATGGGGACCAGCAGCAAGGAGCCGGAGGACCCAGGGACCCCTGAGACCGGGC[G>A]CTCTGGTGCTACCAAGATGCCCAGGGTCACCTGCCCTTCCACAGGACTGGGCTTGGGAAG-3'
Protein context (NP_001354553.1, residues 2377-2397): PEDPGTPETG[Arg2387His]SGATKMPRVT